The following is an entry in ClinVar:

NM_017617.5(NOTCH1):c.7128G>T (p.Gln2376His)

Gene: NOTCH1 (notch receptor 1; minus strand). Cytogenetic location: 9q34.3.
Variant type: single nucleotide variant.
Coding change: c.7128G>T on transcript NM_017617.5 (MANE Select); coding-DNA position 7128, G replaced by T.
Protein change: p.Gln2376His; replaces glutamine 2376 with histidine.
Molecular consequence: missense variant.
Genome position (GRCh38, 1-based): chr9:136,496,611, C>A on the plus strand (G>T on the coding strand, the complement: NOTCH1 is on the minus strand). VCF-style: chr9-136496611-C-A. GRCh37 (hg19) VCF-style: chr9-139391063-C-A.
Other names: short protein forms Q2376H.
Identifiers: ClinVar variation 1254649 (VCV001254649.10), dbSNP rs369935287, ClinGen allele CA201632955.

ClinVar aggregate classification (germline): Conflicting classifications of pathogenicity. Review status: criteria provided, conflicting classifications (1 of 4 stars). 5 submissions from 4 submitters: Uncertain significance (4); Likely benign (1). Last evaluated 2025-05-10.

Conditions:
Adams-Oliver syndrome 5 (AOS5). Identifiers: Orphanet 974, MedGen C4014970, MONDO:0014459, OMIM 616028.
Aortic valve disease 1 (AOVD1). Identifiers: MedGen C3887892, MONDO:0024523, OMIM 109730.
Familial thoracic aortic aneurysm and aortic dissection (TAAD). Also called: Thoracic aortic aneurysms and dissections. Identifiers: Orphanet 91387, MedGen C4707243, MONDO:0019625.

Allele frequency attached by ClinVar (database versions not stated): gnomAD exomes below 0.00001 and 0.00003; TOPMed below 0.00001; gnomAD 0.00001; ESP Exome Variant Server 0.00008.
gnomAD v4.1: 47 of 1,612,916 alleles (0.0029%); highest among the groups gnomAD compares: Non-Finnish European, 0.0039%; no homozygotes.

Submissions (5):

Labcorp Genetics (formerly Invitae), Labcorp
Classification: Likely benign for Adams-Oliver syndrome 5. Last evaluated: 2025-05-10. Review status: criteria provided, single submitter. Criteria: Invitae Variant Classification Sherloc (09022015). Collection method: clinical testing. Allele origin: germline.

Ambry Genetics
Classification: Uncertain significance for Familial thoracic aortic aneurysm and aortic dissection. Last evaluated: 2024-05-11. Review status: criteria provided, single submitter. Criteria: Ambry Variant Classification Scheme 2023. Collection method: clinical testing. Allele origin: germline.
Comment: The p.Q2376H variant (also known as c.7128G>T), located in coding exon 34 of the NOTCH1 gene, results from a G to T substitution at nucleotide position 7128. The glutamine at codon 2376 is replaced by histidine, an amino acid with highly similar properties. This amino acid position is conserved. In addition, the in silico prediction for this alteration is inconclusive. Based on the available evidence, the clinical significance of this variant remains unclear.

GeneDx
Classification: Uncertain significance. Last evaluated: 2023-05-03. Review status: criteria provided, single submitter. Criteria: GeneDx Variant Classification Process June 2021. Collection method: clinical testing. Allele origin: germline. Affected: yes.
Comment: Has not been previously published as pathogenic or benign in association with NOTCH1-related cardiac phenotype to our knowledge; Not observed at significant frequency in large population cohorts (gnomAD); In silico analysis supports that this missense variant does not alter protein structure/function; This variant is associated with the following publications: (PMID: 31495132)

Genome-Nilou Lab
Classification: Uncertain significance for Adams-Oliver syndrome 5. Last evaluated: 2022-03-15. Review status: criteria provided, single submitter. Criteria: ACMG Guidelines, 2015. Collection method: clinical testing. Allele origin: germline. Affected: no.

Genome-Nilou Lab
Classification: Uncertain significance for Aortic valve disease 1. Last evaluated: 2022-03-15. Review status: criteria provided, single submitter. Criteria: ACMG Guidelines, 2015. Collection method: clinical testing. Allele origin: germline. Affected: no.